The following is an entry in ClinVar:

ClinVar aggregate classification (germline): Uncertain significance (1 of 4 stars; one submission).

Conditions:
Cardiovascular phenotype. Identifiers: MedGen CN230736.

Submission:

Ambry Genetics
Classification: Uncertain significance for Cardiovascular phenotype. Last evaluated: 2023-10-10. Review status: criteria provided, single submitter. Criteria: Ambry Variant Classification Scheme 2023. Collection method: clinical testing. Allele origin: germline.
Comment: The p.K102E variant (also known as c.304A>G), located in coding exon 3 of the FKTN gene, results from an A to G substitution at nucleotide position 304. The lysine at codon 102 is replaced by glutamic acid, an amino acid with similar properties. This amino acid position is conserved. In addition, the in silico prediction for this alteration is inconclusive. Since supporting evidence is limited at this time, the clinical significance of this alteration remains unclear.

NM_001079802.2(FKTN):c.304A>G (p.Lys102Glu)

Gene: FKTN (fukutin; plus strand). Cytogenetic location: 9q31.2.
Variant type: single nucleotide variant.
Coding change: c.304A>G on transcript NM_001079802.2 (MANE Select); coding-DNA position 304, A replaced by G.
Protein change: p.Lys102Glu; replaces lysine 102 with glutamic acid.
Molecular consequence: missense variant. On other transcripts: 5 prime UTR variant (4), non-coding transcript variant (2).
Genome position (GRCh38, 1-based): chr9:105,601,283, A>G. VCF-style: chr9-105601283-A-G. GRCh37 (hg19) VCF-style: chr9-108363564-A-G.
Other names: c.304A>G, p.Lys102Glu (NM_001198963.2, NM_001351496.2, NM_001351498.2 and 1 more transcripts); c.235A>G, p.Lys79Glu (NM_001351497.2); c.-211A>G (NM_001351499.2, NM_001351500.2, NM_001351501.2 and 1 more transcripts); short protein forms K102E, K79E.
Identifiers: ClinVar variation 3232620 (VCV003232620.1), dbSNP rs2539336200, ClinGen allele CA374331696.